The following is an entry in ClinVar:

ClinVar aggregate classification (germline): Uncertain significance (1 of 4 stars; one submission).

Submission:

Ambry Genetics
Classification: Uncertain significance. Last evaluated: 2024-11-17. Review status: criteria provided, single submitter. Criteria: Ambry Variant Classification Scheme 2023. Collection method: clinical testing. Allele origin: germline.
Comment: The p.G774A variant (also known as c.2321G>C), located in coding exon 12 of the PALLD gene, results from a G to C substitution at nucleotide position 2321. The glycine at codon 774 is replaced by alanine, an amino acid with similar properties. This amino acid position is conserved. In addition, this alteration is predicted to be tolerated by in silico analysis. Based on the available evidence, the clinical significance of this variant remains unclear.

NM_001166108.2(PALLD):c.2372G>C (p.Gly791Ala)

Genes: CBR4 (carbonyl reductase 4; minus strand), PALLD (palladin, cytoskeletal associated protein; plus strand). Cytogenetic location: 4q32.3.
Variant type: single nucleotide variant.
Coding change: c.2372G>C on transcript NM_001166108.2 (MANE Select); coding-DNA position 2372, G replaced by C.
Protein change: p.Gly791Ala; replaces glycine 791 with alanine.
Molecular consequence: missense variant.
Genome position (GRCh38, 1-based): chr4:168,898,614, G>C. VCF-style: chr4-168898614-G-C. GRCh37 (hg19) VCF-style: chr4-169819765-G-C.
Other names: c.1175G>C, p.Gly392Ala (NM_001166109.2); c.860G>C, p.Gly287Ala (NM_001166110.2); c.200G>C, p.Gly67Ala (NM_001367567.1, NM_001367569.1); c.251G>C, p.Gly84Ala (NM_001367568.1, NM_001367570.1); c.2321G>C, p.Gly774Ala (NM_016081.4); short protein forms G287A, G84A, G67A, G392A, G774A, G791A.
Identifiers: ClinVar variation 3413670 (VCV003413670.1).
Genomic context (GRCh38, chr4:168,898,614, plus strand): 5'-GGTCTCCTGTGGATGAATCAGGTGATGAAGTTCAGTATGGAGATGTGCCTGTGGAAAATG[G>C]AATGGCACCATTCTTTGAGATGAAGCTGAAACATTACAAGATCTTTGAGGGAATGCCAGT-3'
Protein context (NP_001159580.1, residues 781-801): VQYGDVPVEN[Gly791Ala]MAPFFEMKLK